The following is an entry in ClinVar:

NM_004004.6(GJB2):c.608T>C (p.Ile203Thr)

Gene: GJB2 (gap junction protein beta 2; minus strand). Cytogenetic location: 13q12.11.
Variant type: single nucleotide variant.
Coding change: c.608T>C on transcript NM_004004.6 (MANE Select); coding-DNA position 608, T replaced by C.
Protein change: p.Ile203Thr; replaces isoleucine 203 with threonine.
Molecular consequence: missense variant.
Genome position (GRCh38, 1-based): chr13:20,188,974, A>G on the plus strand (T>C on the coding strand, the complement: GJB2 is on the minus strand). VCF-style: chr13-20188974-A-G. GRCh37 (hg19) VCF-style: chr13-20763113-A-G.
Other names: short protein forms I203T.
Identifiers: ClinVar variation 44762 (VCV000044762.39), dbSNP rs76838169, ClinGen allele CA134991.

ClinVar aggregate classification (germline): Benign. Review status: criteria provided, multiple submitters, no conflicts (2 of 4 stars). 14 submissions from 14 submitters: Benign (9). 5 of the submissions do not count toward it. Last evaluated 2026-02-04.

Conditions:
Ichthyosis, hystrix-like, with hearing loss. Also called: Hystrix-like ichthyosis with deafness. Identifiers: Orphanet 477, MedGen C1865234, MONDO:0011245.
Palmoplantar keratoderma-deafness syndrome. Also called: Keratoderma palmoplantar, with deafness; Palmoplantar keratoderma and sensorineural deafness; Hereditary palmoplantar keratoderma with deafness (subtype); Focal palmoplantar keratoderma with sensorineural deafness (subtype); Diffuse palmoplantar keratoderma with deafness (subtype). Identifiers: Orphanet 2202, MedGen C1835672, MONDO:0007852, OMIM 148350.
Knuckle pads, deafness AND leukonychia syndrome. Also called: Bart-Pumphrey syndrome. Identifiers: Orphanet 2698, MedGen C0266004, MONDO:0007866, OMIM 149200.
X-linked mixed hearing loss with perilymphatic gusher. Also called: Gusher syndrome; NANCE DEAFNESS; PERILYMPHATIC GUSHER-DEAFNESS SYNDROME; SENSORINEURAL DEAFNESS, PROFOUND, WITH OR WITHOUT A CONDUCTIVE COMPONENT, ASSOCIATED WITH A UNIQUE DEVELOPMENTAL ABNORMALITY OF THE EAR; Deafness, X-linked 2. Identifiers: Orphanet 383, MedGen C1844678, MONDO:0010576, OMIM 304400.
Mutilating keratoderma (VOWNKL). Also called: Keratoderma hereditarium mutilans. Identifiers: Orphanet 494, MedGen C0265964, MONDO:0007422, OMIM 124500.
Autosomal recessive nonsyndromic hearing loss 1A (DFNB1A). Also called: Connexin 26 deafness; Deafness nonsyndromic, Connexin 26 linked; GJB6-Related DFNB 1 Nonsyndromic Hearing Loss and Deafness; Deafness, autosomal recessive 1A; Nonsyndromic Hearing Loss and Deafness, DFNB1; GJB2-Related Autosomal Recessive Nonsyndromic Hearing Loss. Identifiers: Orphanet 90636, MedGen C2673759, MONDO:0009076, OMIM 220290.
Autosomal dominant keratitis-ichthyosis-hearing loss syndrome. Also called: Senter syndrome; KID SYNDROME, AUTOSOMAL DOMINANT; HID SYNDROME. Identifiers: Orphanet 477, MedGen C0265336, MONDO:0007850, OMIM 148210.
Autosomal dominant nonsyndromic hearing loss 3A. Identifiers: Orphanet 90635, MedGen C2675750, MONDO:0011103, OMIM 601544.
GJB2-related disorder. Also called: GJB2-related condition; GJB2-related disorders. Identifiers: MedGen CN382183, MONDO:1060236.

Allele frequency attached by ClinVar (database versions not stated): gnomAD 0.00129 and 0.00191; ExAC 0.00426; gnomAD exomes 0.00437; 1000 Genomes Project 30x 0.00937; 1000 Genomes Project 0.01018; TOPMed 0.00190.

Submissions (14):

Labcorp Genetics (formerly Invitae), Labcorp
Classification: Benign. Last evaluated: 2026-02-04. Review status: criteria provided, single submitter. Criteria: Invitae Variant Classification Sherloc (09022015). Collection method: clinical testing. Allele origin: germline.

Blueprint Genetics
Classification: Benign. Last evaluated: 2024-11-27. Review status: criteria provided, single submitter. Criteria: ACMG Guidelines, 2015. Collection method: clinical testing. Allele origin: germline.

Fulgent Genetics
Classification: Benign for Mutilating keratoderma; Autosomal dominant keratitis-ichthyosis-hearing loss syndrome; Palmoplantar keratoderma-deafness syndrome; Knuckle pads, deafness AND leukonychia syndrome; Autosomal recessive nonsyndromic hearing loss 1A; X-linked mixed hearing loss with perilymphatic gusher; Autosomal dominant nonsyndromic hearing loss 3A. Last evaluated: 2022-05-09. Review status: criteria provided, single submitter. Criteria: ACMG Guidelines, 2015. Collection method: clinical testing. Allele origin: unknown.

ARUP Laboratories, Molecular Genetics and Genomics, ARUP Laboratories
Classification: Benign. Last evaluated: 2021-04-28. Review status: criteria provided, single submitter. Criteria: ARUP Molecular Germline Variant Investigation Process 2021. Collection method: clinical testing. Allele origin: germline.

GeneDx
Classification: Benign. Last evaluated: 2018-10-19. Review status: criteria provided, single submitter. Criteria: GeneDx Variant Classification Process June 2021. Collection method: clinical testing. Allele origin: germline. Affected: yes.
Comment: This variant is associated with the following publications: (PMID: 31195736, 30245029, 26215685, 27534436, 29605365, 26043044, 25388846, 19043807, 11438992, 20668687, 23967136, 19707039, 20981092, 23826813, 22613756, 20497192, 15479191, 25262649, 23638949)

Athena Diagnostics
Classification: Benign. Last evaluated: 2018-03-13. Review status: criteria provided, single submitter. Criteria: Athena Diagnostics Criteria. Collection method: clinical testing. Allele origin: germline.

Genomic Diagnostic Laboratory, Division of Genomic Diagnostics, Children's Hospital of Philadelphia
Classification: Benign for Deafness, autosomal recessive 1A. Last evaluated: 2017-05-09. Review status: criteria provided, single submitter. Criteria: DGD Variant Analysis Guidelines. Collection method: clinical testing. Allele origin: germline. Affected: yes. Observed: 1 variant allele.

Illumina Laboratory Services, Illumina
Classification: Benign for Autosomal recessive nonsyndromic hearing loss 1A. Last evaluated: 2017-04-27. Review status: criteria provided, single submitter. Criteria: ICSL Variant Classification Criteria 13 December 2019. Collection method: clinical testing. Allele origin: germline.
Comment: This variant was observed as part of a predisposition screen in an ostensibly healthy population. A literature search was performed for the gene, cDNA change, and amino acid change (where applicable). Publications were found based on this search. The evidence from the literature, in combination with allele frequency data from public databases where available, was sufficient to rule this variant out of causing disease. Therefore, this variant is classified as benign.

Eurofins Ntd Llc (ga)
Classification: Benign. Last evaluated: 2012-12-18. Review status: criteria provided, single submitter. Criteria: EGL Classification Definitions 2015. Collection method: clinical testing. Allele origin: germline. Observed: 2 variant alleles, 2 heterozygotes.

Natera, Inc.
Classification: Benign for Autosomal recessive deafness type 1A. Last evaluated: 2020-04-17. Review status: no assertion criteria provided. Collection method: clinical testing. Allele origin: germline. Not counted in ClinVar's aggregate classification.

PreventionGenetics, part of Exact Sciences
Classification: Benign for GJB2-related condition. Last evaluated: 2020-04-12. Review status: no assertion criteria provided. Collection method: clinical testing. Allele origin: germline. Not counted in ClinVar's aggregate classification.
Comment: This variant is classified as benign based on ACMG/AMP sequence variant interpretation guidelines (Richards et al. 2015 PMID: 25741868, with internal and published modifications).

Laboratory for Molecular Medicine, Mass General Brigham Personalized Medicine
Classification: Benign. Last evaluated: 2008-06-23. Review status: no assertion criteria provided. Collection method: clinical testing. Allele origin: germline. Observed: 15 variant alleles. Not counted in ClinVar's aggregate classification.

Clinical Genetics DNA and cytogenetics Diagnostics Lab, Erasmus MC, Erasmus Medical Center
Classification: Benign. Review status: no assertion criteria provided. Collection method: clinical testing. Allele origin: germline. Affected: yes. Study: VKGL Data-share Consensus. Not counted in ClinVar's aggregate classification.

Joint Genome Diagnostic Labs from Nijmegen and Maastricht, Radboudumc and MUMC+
Classification: Benign. Review status: no assertion criteria provided. Collection method: clinical testing. Allele origin: germline. Affected: yes. Study: VKGL Data-share Consensus. Not counted in ClinVar's aggregate classification.

Literature cited by the submitters: PubMed 14505035 (cited by Athena Diagnostics); PubMed 10633133 (cited by Athena Diagnostics and Laboratory for Molecular Medicine, Mass General Brigham Personalized Medicine); PubMed 12560944 (cited by Athena Diagnostics); PubMed 19366456 (cited by Athena Diagnostics); PubMed 19043807 (cited by Athena Diagnostics); PubMed 20497192 (cited by Athena Diagnostics); PubMed 22613756 (cited by Athena Diagnostics); PubMed 21777984 (cited by Athena Diagnostics); PubMed 15479191 (cited by Athena Diagnostics); PubMed 10607953 (cited by Illumina Laboratory Services, Illumina and Laboratory for Molecular Medicine, Mass General Brigham Personalized Medicine); PubMed 11438992 (cited by Illumina Laboratory Services, Illumina).